The following is an entry in ClinVar:

NM_014319.5(LEMD3):c.1555A>G (p.Ile519Val)

Gene: LEMD3 (LEM domain containing 3; plus strand). Cytogenetic location: 12q14.3.
Variant type: single nucleotide variant.
Coding change: c.1555A>G on transcript NM_014319.5 (MANE Select); coding-DNA position 1555, A replaced by G.
Protein change: p.Ile519Val; replaces isoleucine 519 with valine.
Molecular consequence: missense variant.
Genome position (GRCh38, 1-based): chr12:65,210,958, A>G. VCF-style: chr12-65210958-A-G. GRCh37 (hg19) VCF-style: chr12-65604738-A-G.
Other names: c.1552A>G, p.Ile518Val (NM_001167614.2); c.1555A>G (NM_014319.4); short protein forms I518V, I519V.
Identifiers: ClinVar variation 1384682 (VCV001384682.9), dbSNP rs2136335866, ClinGen allele CA385677207.

ClinVar aggregate classification (germline): Uncertain significance. Review status: criteria provided, multiple submitters, no conflicts (2 of 4 stars). 2 submissions from 2 submitters: Uncertain significance (2). Last evaluated 2024-10-07.

Conditions:
Inborn genetic diseases. Identifiers: MedGen C0950123, MeSH D030342.

gnomAD v4.1: 2 of 1,590,832 alleles (0.00013%); no homozygotes.

Submissions (2):

Labcorp Genetics (formerly Invitae), Labcorp
Classification: Uncertain significance. Last evaluated: 2024-10-07. Review status: criteria provided, single submitter. Criteria: Invitae Variant Classification Sherloc (09022015). Collection method: clinical testing. Allele origin: germline.
Comment: This sequence change replaces isoleucine, which is neutral and non-polar, with valine, which is neutral and non-polar, at codon 519 of the LEMD3 protein (p.Ile519Val). This variant is not present in population databases (gnomAD no frequency). This variant has not been reported in the literature in individuals affected with LEMD3-related conditions. ClinVar contains an entry for this variant (Variation ID: 1384682). Invitae Evidence Modeling of protein sequence and biophysical properties (such as structural, functional, and spatial information, amino acid conservation, physicochemical variation, residue mobility, and thermodynamic stability) indicates that this missense variant is not expected to disrupt LEMD3 protein function with a negative predictive value of 80%. In summary, the available evidence is currently insufficient to determine the role of this variant in disease. Therefore, it has been classified as a Variant of Uncertain Significance.

Ambry Genetics
Classification: Uncertain significance for Inborn genetic diseases. Last evaluated: 2023-09-21. Review status: criteria provided, single submitter. Criteria: Ambry Variant Classification Scheme 2023. Collection method: clinical testing. Allele origin: germline.